The following is an entry in ClinVar:

NM_006922.4(SCN3A):c.1124C>G (p.Ser375Cys)

Gene: SCN3A (sodium voltage-gated channel alpha subunit 3; minus strand). Cytogenetic location: 2q24.3.
Variant type: single nucleotide variant.
Coding change: c.1124C>G on transcript NM_006922.4 (MANE Select); coding-DNA position 1124, C replaced by G.
Protein change: p.Ser375Cys; replaces serine 375 with cysteine.
Molecular consequence: missense variant.
Genome position (GRCh38, 1-based): chr2:165,155,811, G>C on the plus strand (C>G on the coding strand, the complement: SCN3A is on the minus strand). VCF-style: chr2-165155811-G-C. GRCh37 (hg19) VCF-style: chr2-166012321-G-C.
Other names: c.1124C>G, p.Ser375Cys (NM_001081676.2, NM_001081677.2); short protein forms S375C.
Identifiers: ClinVar variation 655521 (VCV000655521.11), dbSNP rs148689026, ClinGen allele CA1939232.

ClinVar aggregate classification (germline): Uncertain significance. Review status: criteria provided, multiple submitters, no conflicts (2 of 4 stars). 2 submissions from 2 submitters: Uncertain significance (2). Last evaluated 2025-07-07.

Allele frequency attached by ClinVar (database versions not stated): ExAC 0.00001; gnomAD exomes 0.00001; TOPMed 0.00002; gnomAD 0.00003 and 0.00004; ESP Exome Variant Server 0.00008.
gnomAD v4.1: 24 of 1,613,956 alleles (0.0015%); highest among the groups gnomAD compares: Middle Eastern, 0.033%; no homozygotes.

Submissions (2):

Labcorp Genetics (formerly Invitae), Labcorp
Classification: Uncertain significance. Last evaluated: 2025-07-07. Review status: criteria provided, single submitter. Criteria: Invitae Variant Classification Sherloc (09022015). Collection method: clinical testing. Allele origin: germline.
Comment: This sequence change replaces serine, which is neutral and polar, with cysteine, which is neutral and slightly polar, at codon 375 of the SCN3A protein (p.Ser375Cys). This variant is present in population databases (rs148689026, gnomAD 0.002%). This variant has not been reported in the literature in individuals affected with SCN3A-related conditions. ClinVar contains an entry for this variant (Variation ID: 655521). Invitae Evidence Modeling of protein sequence and biophysical properties (such as structural, functional, and spatial information, amino acid conservation, physicochemical variation, residue mobility, and thermodynamic stability) indicates that this missense variant is not expected to disrupt SCN3A protein function with a negative predictive value of 95%. In summary, the available evidence is currently insufficient to determine the role of this variant in disease. Therefore, it has been classified as a Variant of Uncertain Significance.

Institute for Clinical Genetics, University Hospital TU Dresden, University Hospital TU Dresden
Classification: Uncertain significance. Last evaluated: 2021-11-03. Review status: criteria provided, single submitter. Criteria: ACMG Guidelines, 2015. Collection method: clinical testing. Allele origin: germline.